The following is an entry in ClinVar:

ClinVar aggregate classification (germline): Uncertain significance (1 of 4 stars; one submission).

Conditions:
Intellectual disability, CASK-related, X-linked. Identifiers: MedGen CN043158.

Allele frequency attached by ClinVar (database versions not stated): gnomAD 0.00001; ExAC 0.00002; gnomAD exomes 0.00002 and 0.00004; TOPMed 0.00002.
gnomAD v4.1: 39 of 1,201,097 alleles (0.0032%); highest among the groups gnomAD compares: Non-Finnish European, 0.0044%; no homozygotes.

Submission:

Labcorp Genetics (formerly Invitae), Labcorp
Classification: Uncertain significance for Intellectual disability, CASK-related, X-linked. Last evaluated: 2024-05-21. Review status: criteria provided, single submitter. Criteria: Invitae Variant Classification Sherloc (09022015). Collection method: clinical testing. Allele origin: germline.
Comment: This sequence change replaces aspartic acid, which is acidic and polar, with asparagine, which is neutral and polar, at codon 404 of the CASK protein (p.Asp404Asn). This variant is present in population databases (rs762462874, gnomAD 0.005%), including at least one homozygous and/or hemizygous individual. This variant has not been reported in the literature in individuals affected with CASK-related conditions. ClinVar contains an entry for this variant (Variation ID: 978515). Advanced modeling of protein sequence and biophysical properties (such as structural, functional, and spatial information, amino acid conservation, physicochemical variation, residue mobility, and thermodynamic stability) has been performed at Invitae for this missense variant, however the output from this modeling did not meet the statistical confidence thresholds required to predict the impact of this variant on CASK protein function. In summary, the available evidence is currently insufficient to determine the role of this variant in disease. Therefore, it has been classified as a Variant of Uncertain Significance.

NM_001367721.1(CASK):c.1210G>A (p.Asp404Asn)

Gene: CASK (calcium/calmodulin dependent serine protein kinase; minus strand). Cytogenetic location: Xp11.4.
Variant type: single nucleotide variant.
Coding change: c.1210G>A on transcript NM_001367721.1 (MANE Select); coding-DNA position 1210, G replaced by A.
Protein change: p.Asp404Asn; replaces aspartic acid 404 with asparagine.
Molecular consequence: missense variant.
Genome position (GRCh38, 1-based): chrX:41,589,538, C>T on the plus strand (G>A on the coding strand, the complement: CASK is on the minus strand). VCF-style: chrX-41589538-C-T. GRCh37 (hg19) VCF-style: chrX-41448791-C-T.
Other names: c.1210G>A, p.Asp404Asn (NM_001126054.3, NM_003688.4); c.1192G>A, p.Asp398Asn (NM_001126055.3, NM_001410745.1); short protein forms D398N, D404N.
Identifiers: ClinVar variation 978515 (VCV000978515.9), dbSNP rs762462874, ClinGen allele CA10390244.
Genomic context (GRCh38, chrX:41,589,538, plus strand): 5'-GATGATGCCAAATACTTCTATAAAATATATCACTTACCTCTTTGGCTCTCTGTACTGCAT[C>T]GCTTGGAGGATTCCTGATTTGTGGTGAAGACTTTGTGTTAATTTTGTCATACAGCTAAAA-3'
Protein context (NP_001354650.1, residues 394-414): SSPQIRNPPS[Asp404Asn]AVQRAKEVLE